The following is an entry in ClinVar:

NM_023110.3(FGFR1):c.266A>G (p.Gln89Arg)

Gene: FGFR1 (fibroblast growth factor receptor 1; minus strand). Cytogenetic location: 8p11.23.
Variant type: single nucleotide variant.
Coding change: c.266A>G on transcript NM_023110.3 (MANE Select); coding-DNA position 266, A replaced by G.
Protein change: p.Gln89Arg; replaces glutamine 89 with arginine.
Molecular consequence: missense variant. On other transcripts: intron variant (5).
Genome position (GRCh38, 1-based): chr8:38,429,774, T>C on the plus strand (A>G on the coding strand, the complement: FGFR1 is on the minus strand). VCF-style: chr8-38429774-T-C. GRCh37 (hg19) VCF-style: chr8-38287292-T-C.
Other names: c.266A>G, p.Gln89Arg (NM_001174063.2, NM_001174065.2, NM_001354367.2 and 2 more transcripts); c.242A>G, p.Gln81Arg (NM_001174064.2); c.365A>G, p.Gln122Arg (NM_001174067.2); c.92-1339A>G (NM_001354368.2, NM_001354370.2, NM_023106.3 and 2 more transcripts); short protein forms Q122R, Q81R, Q89R.
Identifiers: ClinVar variation 1186398 (VCV001186398.8), dbSNP rs773938208, ClinGen allele CA4718835.
Genomic context (GRCh38, chr8:38,429,774, plus strand): 5'-CTGCCCGAGGGGCTGCTGGTTACGCAAGCATAGAGGCCGGAGTCTGCGGGCACGGAGTCC[T>C]GCACCTCCACCTCCTCCCCTGTGATGCGGGTGCGGTTGCTTTCCGCCAGCTGCACCCCGT-3'
Protein context (NP_075598.2, residues 79-99): TRITGEEVEV[Gln89Arg]DSVPADSGLY

ClinVar aggregate classification (germline): Conflicting classifications of pathogenicity. Review status: criteria provided, conflicting classifications (1 of 4 stars). 4 submissions from 4 submitters: Uncertain significance (1); Likely benign (2). 1 of the submissions does not count toward it. Last evaluated 2025-12-16.

Conditions:
Hypogonadotropic hypogonadism 2 with or without anosmia (HH2). Also called: HYPOGONADOTROPIC HYPOGONADISM 2 WITH OR WITHOUT ANOSMIA, SUSCEPTIBILITY TO; HYPOGONADOTROPIC HYPOGONADISM 2 WITHOUT ANOSMIA, SUSCEPTIBILITY TO; FGFR1-Related GnRH Deficiency (Kallmann Syndrome 2); HYPOGONADOTROPIC HYPOGONADISM 2 WITHOUT ANOSMIA. Identifiers: Orphanet 478, MedGen C1563720, MONDO:0007844, OMIM 147950. Disease mechanism: loss of function.
Pfeiffer syndrome (ACS5). Also called: ACS V. Identifiers: Orphanet 710, MedGen C0220658, MONDO:0007043, OMIM 101600.
FGFR1-related disorder. Also called: FGFR1-related condition; FGFR1-related disorders. Identifiers: MedGen CN380097.
Encephalocraniocutaneous lipomatosis (ECCL). Identifiers: Orphanet 2396, MedGen C0406612, MONDO:0013074, OMIM 613001.
Hartsfield-Bixler-Demyer syndrome (HRTFDS). Also called: Hartsfield syndrome; Holoprosencephaly, ectrodactyly, and bilateral cleft lip/palate; FGFR1-Related Hartsfield Syndrome. Identifiers: Orphanet 2117, MedGen C1845146, MONDO:0014196, OMIM 615465. Disease mechanism: loss of function.
Trigonocephaly 1 (TRIGNO1). Identifiers: Orphanet 3366, MedGen C0432122, MONDO:0008603, OMIM 190440.
Jackson-Weiss syndrome (JWS). Also called: CRANIOSYNOSTOSIS, MIDFACIAL HYPOPLASIA, AND FOOT ABNORMALITIES. Identifiers: Orphanet 1540, MedGen C0795998, MONDO:0007400, OMIM 123150. Disease mechanism: loss of function.
Osteoglophonic dysplasia (OGD). Also called: Osteoglophonic dwarfism. Identifiers: Orphanet 2645, MedGen C0432283, MONDO:0008150, OMIM 166250.

Allele frequency attached by ClinVar (database versions not stated): gnomAD 0.00003 and 0.00004; TOPMed 0.00004; gnomAD exomes 0.00005; ExAC 0.00006.
gnomAD v4.1: 77 of 1,609,624 alleles (0.0048%); highest among the groups gnomAD compares: Non-Finnish European, 0.0062%; no homozygotes.

Submissions (4):

Labcorp Genetics (formerly Invitae), Labcorp
Classification: Likely benign for Pfeiffer syndrome; Hypogonadotropic hypogonadism 2 with or without anosmia. Last evaluated: 2025-12-16. Review status: criteria provided, single submitter. Criteria: Invitae Variant Classification Sherloc (09022015). Collection method: clinical testing. Allele origin: germline.

Fulgent Genetics
Classification: Uncertain significance for Pfeiffer syndrome; Jackson-Weiss syndrome; Hypogonadotropic hypogonadism 2 with or without anosmia; Osteoglophonic dysplasia; Trigonocephaly 1; Encephalocraniocutaneous lipomatosis; Hartsfield-Bixler-Demyer syndrome. Last evaluated: 2024-01-10. Review status: criteria provided, single submitter. Criteria: ACMG Guidelines, 2015. Collection method: clinical testing. Allele origin: germline.

GeneDx
Classification: Likely benign. Last evaluated: 2020-09-01. Review status: criteria provided, single submitter. Criteria: GeneDx Variant Classification Process June 2021. Collection method: clinical testing. Allele origin: germline. Affected: yes.
Comment: In silico analysis, which includes protein predictors and evolutionary conservation, supports that this variant does not alter protein structure/function; Splice predictors suggests this variant may impact gene splicing. In the absence of RNA/functional studies, the actual effect of this sequence change is unknown.; Has not been previously published as pathogenic or benign to our knowledge

PreventionGenetics, part of Exact Sciences
Classification: Uncertain significance for FGFR1-related condition. Last evaluated: 2024-01-16. Review status: no assertion criteria provided. Collection method: clinical testing. Allele origin: germline. Not counted in ClinVar's aggregate classification.
Comment: The FGFR1 c.266A>G variant is predicted to result in the amino acid substitution p.Gln89Arg. To our knowledge, this variant has not been reported in the literature. This variant is reported in 0.0096% of alleles in individuals of European (Non-Finnish) descent in gnomAD. At this time, the clinical significance of this variant is uncertain due to the absence of conclusive functional and genetic evidence.